The following is an entry in ClinVar:

NM_005732.4(RAD50):c.1804G>A (p.Ala602Thr)

Gene: RAD50 (RAD50 double strand break repair protein; plus strand). Cytogenetic location: 5q31.1.
Variant type: single nucleotide variant.
Coding change: c.1804G>A on transcript NM_005732.4 (MANE Select); coding-DNA position 1804, G replaced by A.
Protein change: p.Ala602Thr; replaces alanine 602 with threonine.
Molecular consequence: missense variant.
Genome position (GRCh38, 1-based): chr5:132,594,879, G>A. VCF-style: chr5-132594879-G-A. GRCh37 (hg19) VCF-style: chr5-131930571-G-A.
Other names: short protein forms A602T.
Identifiers: ClinVar variation 1419936 (VCV001419936.11), dbSNP rs2149843658, ClinGen allele CA360947404.
Genomic context (GRCh38, chr5:132,594,879, plus strand): 5'-ACTAATTTCTCCTATTTTAAAATGAAAATCCATATTTGCTCTTATTTTAGCAAGGAACTA[G>A]CTTCATCTGAGCAGAATAAAAATCATATAAATAATGAACTAAAAAGAAAGGAAGAGCAGT-3'
Protein context (NP_005723.2, residues 592-612): DRLAKLNKEL[Ala602Thr]SSEQNKNHIN

ClinVar aggregate classification (germline): Uncertain significance. Review status: criteria provided, multiple submitters, no conflicts (2 of 4 stars). 2 submissions from 2 submitters: Uncertain significance (2). Last evaluated 2025-02-15.

Conditions:
Hereditary cancer-predisposing syndrome. Also called: Neoplastic Syndromes, Hereditary; Hereditary Cancer Syndrome; Hereditary neoplastic syndrome; Tumor predisposition. Identifiers: Orphanet 140162, MedGen C0027672, MeSH D009386, MONDO:0015356.

gnomAD v4.1: 1 of 1,602,790 alleles (0.000062%); highest among the groups gnomAD compares: East Asian, 0.0022%; no homozygotes.

Submissions (2):

Ambry Genetics
Classification: Uncertain significance for Hereditary cancer-predisposing syndrome. Last evaluated: 2025-02-15. Review status: criteria provided, single submitter. Criteria: Ambry Variant Classification Scheme 2023. Collection method: clinical testing. Allele origin: germline.
Comment: The p.A602T variant (also known as c.1804G>A), located in coding exon 12 of the RAD50 gene, results from a G to A substitution at nucleotide position 1804. The alanine at codon 602 is replaced by threonine, an amino acid with similar properties. This amino acid position is conserved. In addition, this alteration is predicted to be tolerated by in silico analysis. Since supporting evidence is limited at this time, the clinical significance of this alteration remains unclear.

Labcorp Genetics (formerly Invitae), Labcorp
Classification: Uncertain significance for Hereditary cancer-predisposing syndrome. Last evaluated: 2020-12-06. Review status: criteria provided, single submitter. Criteria: Invitae Variant Classification Sherloc (09022015). Collection method: clinical testing. Allele origin: germline.
Comment: In summary, the available evidence is currently insufficient to determine the role of this variant in disease. Therefore, it has been classified as a Variant of Uncertain Significance. Algorithms developed to predict the effect of missense changes on protein structure and function (SIFT, PolyPhen-2, Align-GVGD) all suggest that this variant is likely to be tolerated, but these predictions have not been confirmed by published functional studies and their clinical significance is uncertain. This variant has not been reported in the literature in individuals with RAD50-related conditions. This variant is not present in population databases (ExAC no frequency). This sequence change replaces alanine with threonine at codon 602 of the RAD50 protein (p.Ala602Thr). The alanine residue is moderately conserved and there is a small physicochemical difference between alanine and threonine.